The following is an entry in ClinVar:

NM_032387.5(WNK4):c.1664C>G (p.Pro555Arg)

Gene: WNK4 (WNK lysine deficient protein kinase 4; plus strand). Cytogenetic location: 17q21.2.
Variant type: single nucleotide variant.
Coding change: c.1664C>G on transcript NM_032387.5 (MANE Select); coding-DNA position 1664, C replaced by G.
Protein change: p.Pro555Arg; replaces proline 555 with arginine.
Molecular consequence: missense variant.
Genome position (GRCh38, 1-based): chr17:42,787,465, C>G. VCF-style: chr17-42787465-C-G. GRCh37 (hg19) VCF-style: chr17-40939483-C-G.
Other names: p.Pro555Arg; c.656C>G, p.Pro219Arg (NM_001321299.2); short protein forms P555R, P219R.
Identifiers: ClinVar variation 323325 (VCV000323325.16), dbSNP rs57737815, ClinGen allele CA8584051.

ClinVar aggregate classification (germline): Benign/Likely benign. Review status: criteria provided, multiple submitters, no conflicts (2 of 4 stars). 5 submissions from 5 submitters: Benign (4); Likely benign (1). Last evaluated 2026-02-01.

Conditions:
Pseudohypoaldosteronism type 2B (PHA2B). Also called: Pseudohypoaldosteronism Type IIB. Identifiers: Orphanet 757, Orphanet 88939, MedGen C1840390, MONDO:0013777, OMIM 614491.

Allele frequency attached by ClinVar (database versions not stated): ESP Exome Variant Server 0.00869; 1000 Genomes Project 0.00899; gnomAD 0.00961 and 0.01027; 1000 Genomes Project 30x 0.01015; TOPMed 0.01045.
gnomAD v4.1: 3,319 of 1,447,954 alleles (0.23%); highest among the groups gnomAD compares: African/African-American, 3.3%; 41 homozygotes.

Submissions (5):

Labcorp Genetics (formerly Invitae), Labcorp
Classification: Benign. Last evaluated: 2026-02-01. Review status: criteria provided, single submitter. Criteria: Invitae Variant Classification Sherloc (09022015). Collection method: clinical testing. Allele origin: germline.

Genomic Medicine Center of Excellence, King Faisal Specialist Hospital and Research Centre
Classification: Likely benign. Last evaluated: 2025-08-18. Review status: criteria provided, single submitter. Criteria: ACMG Guidelines, 2015. Collection method: clinical testing. Allele origin: germline.

Mayo Clinic Laboratories, Mayo Clinic
Classification: Benign. Last evaluated: 2023-12-22. Review status: criteria provided, single submitter. Criteria: ACMG Guidelines, 2015. Collection method: clinical testing. Allele origin: germline. Observed: 3 variant alleles.
Comment: BS1, BS2, BP4

Illumina Laboratory Services, Illumina
Classification: Benign for Pseudohypoaldosteronism type 2B. Last evaluated: 2018-01-12. Review status: criteria provided, single submitter. Criteria: ICSL Variant Classification Criteria 13 December 2019. Collection method: clinical testing. Allele origin: germline.
Comment: This variant was observed in the ICSL laboratory as part of a predisposition screen in an ostensibly healthy population. It had not been previously curated by ICSL or reported in the Human Gene Mutation Database (HGMD: prior to June 1st, 2018), and was therefore a candidate for classification through an automated scoring system. Utilizing variant allele frequency, disease prevalence and penetrance estimates, and inheritance mode, an automated score was calculated to assess if this variant is too frequent to cause the disease. Based on the score and internal cut-off values, a variant classified as benign is not then subjected to further curation. The score for this variant resulted in a classification of benign for this disease.

Breakthrough Genomics
Classification: Benign. Review status: criteria provided, single submitter. Criteria: ACMG Guidelines, 2015. Collection method: not provided. Allele origin: germline. Inheritance: Autosomal dominant inheritance. Affected: yes.

Literature cited by the submitters: PubMed 27461219 (cited by Mayo Clinic Laboratories, Mayo Clinic).